The following is an entry in ClinVar:

NM_006015.6(ARID1A):c.2011G>A (p.Gly671Arg)

Gene: ARID1A (AT-rich interaction domain 1A; plus strand). Cytogenetic location: 1p36.11.
Variant type: single nucleotide variant.
Coding change: c.2011G>A on transcript NM_006015.6 (MANE Select); coding-DNA position 2011, G replaced by A.
Protein change: p.Gly671Arg; replaces glycine 671 with arginine.
Molecular consequence: missense variant.
Genome position (GRCh38, 1-based): chr1:26,760,946, G>A. VCF-style: chr1-26760946-G-A. GRCh37 (hg19) VCF-style: chr1-27087437-G-A.
Other names: c.2011G>A, p.Gly671Arg (NM_139135.4); short protein forms G671R.
Identifiers: ClinVar variation 1704686 (VCV001704686.2), dbSNP rs2124054985, ClinGen allele CA339152648.

ClinVar aggregate classification (germline): Uncertain significance (1 of 4 stars; one submission).

Submission:

GeneDx
Classification: Uncertain significance. Last evaluated: 2022-02-23. Review status: criteria provided, single submitter. Criteria: GeneDx Variant Classification Process June 2021. Collection method: clinical testing. Allele origin: germline. Affected: yes.
Comment: Not observed at significant frequency in large population cohorts (gnomAD); In silico analysis supports that this missense variant has a deleterious effect on protein structure/function; Has not been previously published as pathogenic or benign to our knowledge